The following is an entry in ClinVar:

NM_000540.3(RYR1):c.14328C>T (p.Tyr4776=)

Gene: RYR1 (ryanodine receptor 1; plus strand). Cytogenetic location: 19q13.2.
Variant type: single nucleotide variant.
Coding change: c.14328C>T on transcript NM_000540.3 (MANE Select); coding-DNA position 14328, C replaced by T.
Protein change: p.Tyr4776=; no amino-acid change (tyrosine 4776 retained).
Molecular consequence: synonymous variant.
Genome position (GRCh38, 1-based): chr19:38,578,168, C>T. VCF-style: chr19-38578168-C-T. GRCh37 (hg19) VCF-style: chr19-39068808-C-T.
Other names: c.14313C>T, p.Tyr4771= (NM_001042723.2).
Identifiers: ClinVar variation 2740243 (VCV002740243.4), dbSNP rs1218148481, ClinGen allele CA507245928.

ClinVar aggregate classification (germline): Likely benign. Review status: criteria provided, multiple submitters, no conflicts (2 of 4 stars). 2 submissions from 2 submitters: Likely benign (2). Last evaluated 2024-06-09.

Conditions:
Malignant hyperthermia, susceptibility to, 1 (MHS1). Also called: RYR1-Related Malignant Hyperthermia Susceptibility; Malignant hyperthermia suceptibility 1; Anesthesia related hyperthermia; Malignant hyperpyrexia; Fulminating hyperpyrexia; Pharmacogenic myopathy. Identifiers: Orphanet 423, MedGen C2930980, MONDO:0007783, OMIM 145600.
RYR1-related disorder. Also called: RYR1-related disorders; RYR1-related condition. Identifiers: MedGen CN239331.

Allele frequency attached by ClinVar (database versions not stated): gnomAD exomes below 0.00001.
gnomAD v4.1: 5 of 1,613,738 alleles (0.00031%); highest among the groups gnomAD compares: South Asian, 0.0044%; no homozygotes.

Submissions (2):

All of Us Research Program, National Institutes of Health
Classification: Likely benign for Malignant hyperthermia, susceptibility to, 1. Last evaluated: 2024-06-09. Review status: criteria provided, single submitter. Criteria: ACMG Guidelines, 2015. Collection method: clinical testing. Allele origin: germline. Inheritance: Autosomal dominant inheritance. Observed: 2 variant alleles, 2 heterozygotes.
Comment: This study involves interpretation of variants in research participants for the purpose of population health screening. Participant phenotype was not available at the time of variant classification. Additional details can be found in publication PMID: 35346344, PMCID: PMC8962531

Labcorp Genetics (formerly Invitae), Labcorp
Classification: Likely benign for RYR1-related disorder. Last evaluated: 2023-08-02. Review status: criteria provided, single submitter. Criteria: Invitae Variant Classification Sherloc (09022015). Collection method: clinical testing. Allele origin: germline.